The following is an entry in ClinVar:

NM_006648.4(WNK2):c.4703C>T (p.Ser1568Phe)

Gene: WNK2 (WNK lysine deficient protein kinase 2; plus strand). Cytogenetic location: 9q22.31.
Variant type: single nucleotide variant.
Coding change: c.4703C>T on transcript NM_006648.4 (MANE Select); coding-DNA position 4703, C replaced by T.
Protein change: p.Ser1568Phe; replaces serine 1568 with phenylalanine.
Molecular consequence: missense variant.
Genome position (GRCh38, 1-based): chr9:93,289,457, C>T. VCF-style: chr9-93289457-C-T. GRCh37 (hg19) VCF-style: chr9-96051739-C-T.
Other names: c.4814C>T, p.Ser1605Phe (NM_001282394.3); short protein forms S1568F, S1605F.
Identifiers: ClinVar variation 4826212 (VCV004826212.1).
Genomic context (GRCh38, chr9:93,289,457, plus strand): 5'-CCATCAAGAGCCTGGACGAGAAGCTGCGGACTCTGCTCTACCAGGAGCACGTGCCCACCT[C>T]CTCAGCCTCAGCTGGGACCCCTGTGGAGGTGGGCGACAGAGACTTCACCCTGGAGCCCCT-3'
Protein context (NP_006639.3, residues 1558-1578): TLLYQEHVPT[Ser1568Phe]SASAGTPVEV

ClinVar aggregate classification (germline): Uncertain significance (1 of 4 stars; one submission).

gnomAD v4.1: 1 of 1,612,736 alleles (0.000062%); highest among the groups gnomAD compares: African/African-American, 0.0013%; no homozygotes.

Submission:

Ambry Genetics
Classification: Uncertain significance. Last evaluated: 2026-02-24. Review status: criteria provided, single submitter. Criteria: Ambry Variant Classification Scheme 2023. Collection method: clinical testing. Allele origin: germline.
Comment: The p.S1568F variant (also known as c.4703C>T), located in coding exon 19 of the WNK2 gene, results from a C to T substitution at nucleotide position 4703. The serine at codon 1568 is replaced by phenylalanine, an amino acid with highly dissimilar properties. This amino acid position is conserved. In addition, this alteration is predicted to be tolerated by in silico analysis. Based on the available evidence, the clinical significance of this variant remains unclear.